The following is an entry in ClinVar:

NC_000011.9:g.(?_47369975)_(47371003_?)del

Gene: MYBPC3 (myosin binding protein C3; minus strand). Cytogenetic location: 11p11.2.
Variant type: Deletion.
Identifiers: ClinVar variation 3244521 (VCV003244521.1).

ClinVar aggregate classification (germline): Pathogenic (1 of 4 stars; one submission).

Conditions:
Hypertrophic cardiomyopathy. Also called: HYPERTROPHIC MYOCARDIOPATHY. Identifiers: Orphanet 217569, MedGen C0007194, MeSH D002312, MONDO:0005045, HP:0001639.

Submission:

Labcorp Genetics (formerly Invitae), Labcorp
Classification: Pathogenic for Hypertrophic cardiomyopathy. Last evaluated: 2023-03-08. Review status: criteria provided, single submitter. Criteria: Invitae Variant Classification Sherloc (09022015). Collection method: clinical testing. Allele origin: unknown.
Comment: For these reasons, this variant has been classified as Pathogenic. This variant has not been reported in the literature in individuals affected with MYBPC3-related conditions. This variant is a gross deletion of the genomic region encompassing exon(s) 6 of the MYBPC3 gene. This deletion is out-of-frame, and is expected to create a premature termination codon and result in an absent or disrupted protein product. Loss-of-function variants in MYBPC3 are known to be pathogenic (PMID: 19574547).

Literature cited by the submitters: PubMed 19574547.